The following is an entry in ClinVar:

ClinVar aggregate classification (germline): Likely pathogenic (1 of 4 stars; one submission).

Conditions:
Primary ciliary dyskinesia 7. Also called: CILIARY DYSKINESIA, PRIMARY, 7, WITH OR WITHOUT SITUS INVERSUS. Identifiers: Orphanet 244, MedGen C2678473, MONDO:0012748, OMIM 611884.

gnomAD v4.1: 2 of 1,611,130 alleles (0.00012%); highest among the groups gnomAD compares: Non-Finnish European, 0.000085%; no homozygotes.

Submission:

Broad Center for Mendelian Genomics, Broad Institute of MIT and Harvard
Classification: Likely pathogenic for Primary ciliary dyskinesia 7. Last evaluated: 2025-02-12. Review status: criteria provided, single submitter. Criteria: ACMG Guidelines, 2015. Collection method: curation. Allele origin: germline. Inheritance: Autosomal recessive inheritance.
Comment: The p.Glu1243Ter variant in DNAH11 has been reported in 1 individual with primary ciliary dyskinesia (PMID: 29467202), and has been identified in 0.00008% (1/1179258) of European (non-Finnish) chromosomes by the Genome Aggregation Database (gnomAD). Although this variant has been seen in the general population in a heterozygous state, its frequency is low enough to be consistent with a recessive carrier frequency. This nonsense variant leads to a premature termination codon at position 1243, which is predicted to lead to a truncated or absent protein. Additionally, spliceAI predictions indicate use of an out-of-frame cryptic splice site 40 bases from the intron-exon boundary, providing evidence that this variant may cause a frameshift and lead to a premature termination codon downstream. This alteration is then predicted to lead to a truncated or absent protein. However, this information is not predictive enough to determine pathogenicity. Loss of function of the DNAH11 gene is an established disease mechanism in autosomal recessive primary ciliary dyskinesia. In summary, although additional studies are required to fully establish its clinical significance, this variant is likely pathogenic for autosomal recessive primary ciliary dyskinesia. ACMG/AMP Criteria applied: PVS1, PM2_supporting (Richards 2015).

NM_001277115.2(DNAH11):c.3727G>T (p.Glu1243Ter)

Gene: DNAH11 (dynein axonemal heavy chain 11; plus strand). Cytogenetic location: 7p15.3.
Variant type: single nucleotide variant.
Coding change: c.3727G>T on transcript NM_001277115.2 (MANE Select); coding-DNA position 3727, G replaced by T.
Protein change: p.Glu1243Ter; replaces glutamic acid 1243 with a stop codon.
Molecular consequence: nonsense.
Genome position (GRCh38, 1-based): chr7:21,606,504, G>T. VCF-style: chr7-21606504-G-T. GRCh37 (hg19) VCF-style: chr7-21646122-G-T.
Other names: NM_001277115.2:c.3727G>T; short protein forms E1243*.
Identifiers: ClinVar variation 3776915 (VCV003776915.1).